The following is an entry in ClinVar:

ClinVar aggregate classification (germline): Likely benign (1 of 4 stars; one submission).

gnomAD v4.1: 276 of 1,614,058 alleles (0.017%); highest among the groups gnomAD compares: Admixed American, 0.03%; no homozygotes.

Submission:

CeGaT Center for Human Genetics Tuebingen
Classification: Likely benign. Last evaluated: 2026-05-01. Review status: criteria provided, single submitter. Criteria: CeGaT Center For Human Genetics Tuebingen Variant Classification Criteria Version 2. Collection method: clinical testing. Allele origin: germline. Affected: yes. Observed: 1 variant allele.
Comment: FNTB: BP4, BP7

NM_002028.4(FNTB):c.594G>A (p.Glu198=)

Genes: CHURC1-FNTB (CHURC1-FNTB readthrough; plus strand), FNTB (farnesyltransferase, CAAX box, subunit beta; plus strand), MAX (MYC associated transcriptional regulator X; minus strand). Cytogenetic location: 14q23.3.
Variant type: single nucleotide variant.
Coding change: c.594G>A on transcript NM_002028.4 (MANE Select); coding-DNA position 594, G replaced by A.
Protein change: p.Glu198=; no amino-acid change (glutamic acid 198 retained).
Molecular consequence: synonymous variant. On other transcripts: intron variant (2).
Genome position (GRCh38, 1-based): chr14:65,027,770, G>A. VCF-style: chr14-65027770-G-A. GRCh37 (hg19) VCF-style: chr14-65494488-G-A.
Other names: c.456G>A, p.Glu152= (NM_001202558.2); c.777G>A, p.Glu259= (NM_001202559.1); c.145-21486C>T (NM_001271069.2); c.172-21486C>T (NM_197957.4).
Identifiers: ClinVar variation 4872483 (VCV004872483.2).